The following is an entry in ClinVar:

NM_001348768.2(HECW2):c.2004T>A (p.Phe668Leu)

Gene: HECW2 (HECT, C2 and WW domain containing E3 ubiquitin protein ligase 2; minus strand). Cytogenetic location: 2q32.3.
Variant type: single nucleotide variant.
Coding change: c.2004T>A on transcript NM_001348768.2 (MANE Select); coding-DNA position 2004, T replaced by A.
Protein change: p.Phe668Leu; replaces phenylalanine 668 with leucine.
Molecular consequence: missense variant.
Genome position (GRCh38, 1-based): chr2:196,318,886, A>T on the plus strand (T>A on the coding strand, the complement: HECW2 is on the minus strand). VCF-style: chr2-196318886-A-T. GRCh37 (hg19) VCF-style: chr2-197183610-A-T.
Other names: c.936T>A, p.Phe312Leu (NM_001304840.3); c.2004T>A, p.Phe668Leu (NM_020760.4); short protein forms F312L, F668L.
Identifiers: ClinVar variation 1307729 (VCV001307729.2), dbSNP rs1691817545, ClinGen allele CA349964799.
Genomic context (GRCh38, chr2:196,318,886, plus strand): 5'-GGGCTCTGCTGCACAGGCTCCGTCTTCCTCCTCCTGAGAAGAAAAGGCTGGGGTTTCAGG[A>T]AACCGTGCGCTCTCAAGAGAGGAGCACCGTGTGTCCACAGAGGACAGCTGCGTGGTCACA-3'
Protein context (NP_001335697.1, residues 658-678): TRCSSLESAR[Phe668Leu]PETPAFSSQE

ClinVar aggregate classification (germline): Uncertain significance (1 of 4 stars; one submission).

Submission:

GeneDx
Classification: Uncertain significance. Last evaluated: 2019-08-14. Review status: criteria provided, single submitter. Criteria: GeneDx Variant Classification Process June 2021. Collection method: clinical testing. Allele origin: germline. Affected: yes.
Comment: Not observed in large population cohorts (Lek et al., 2016); In silico analysis, which includes protein predictors and evolutionary conservation, supports that this variant does not alter protein structure/function; Has not been previously published as pathogenic or benign to our knowledge